The following is an entry in ClinVar:

ClinVar aggregate classification (germline): Pathogenic (1 of 4 stars; one submission).

gnomAD v4.1: 16 of 1,613,552 alleles (0.00099%); highest among the groups gnomAD compares: Non-Finnish European, 0.0013%; no homozygotes.

Submission:

Labcorp Genetics (formerly Invitae), Labcorp
Classification: Pathogenic. Last evaluated: 2023-04-20. Review status: criteria provided, single submitter. Criteria: Invitae Variant Classification Sherloc (09022015). Collection method: clinical testing. Allele origin: germline.
Comment: This variant has not been reported in the literature in individuals affected with TG-related conditions. The frequency data for this variant in the population databases is considered unreliable, as metrics indicate poor data quality at this position in the gnomAD database. This sequence change creates a premature translational stop signal (p.Cys1459*) in the TG gene. It is expected to result in an absent or disrupted protein product. Loss-of-function variants in TG are known to be pathogenic (PMID: 19837936, 23164529). For these reasons, this variant has been classified as Pathogenic.

Literature cited by the submitters: PubMed 19837936; PubMed 23164529.

NM_003235.5(TG):c.4377C>A (p.Cys1459Ter)

Gene: TG (thyroglobulin; plus strand). Cytogenetic location: 8q24.22.
Variant type: single nucleotide variant.
Coding change: c.4377C>A on transcript NM_003235.5 (MANE Select); coding-DNA position 4377, C replaced by A.
Protein change: p.Cys1459Ter; replaces cysteine 1459 with a stop codon.
Molecular consequence: nonsense.
Genome position (GRCh38, 1-based): chr8:132,913,264, C>A. VCF-style: chr8-132913264-C-A. GRCh37 (hg19) VCF-style: chr8-133925509-C-A.
Other names: short protein forms C1459*.
Identifiers: ClinVar variation 2955847 (VCV002955847.3), dbSNP rs777825620, ClinGen allele CA372246845.